The following is an entry in ClinVar:

ClinVar aggregate classification (germline): Uncertain significance. Review status: criteria provided, multiple submitters, no conflicts (2 of 4 stars). 2 submissions from 2 submitters: Uncertain significance (2). Last evaluated 2025-06-04.

Conditions:
Congenital myopathy 22A, classic (CMYO22A). Identifiers: MedGen C5830453, MONDO:0957247, OMIM 620351.
Hypokalemic periodic paralysis, type 2 (HOKPP2). Identifiers: Orphanet 681, MedGen C2750061, MONDO:0013234, OMIM 613345.
Hyperkalemic periodic paralysis. Also called: Gamstorp disease; Familial hyperkalemic periodic paralysis. Identifiers: Orphanet 682, MedGen C0238357, MONDO:0008224, OMIM 170500, HP:0007215.
Congenital myopathy 22B, severe fetal (CMYO22B). Identifiers: MedGen C5830501, MONDO:0957265, OMIM 620369.
Congenital myasthenic syndrome 16. Identifiers: Orphanet 590, MedGen C3280112, MONDO:0013620, OMIM 614198.
Potassium-aggravated myotonia. Also called: MYOTONIA CONGENITA, ACETAZOLAMIDE-RESPONSIVE; MYOTONIA CONGENITA, ATYPICAL; SODIUM CHANNEL MUSCLE DISEASE; Myotonia congenita, atypical, acetazolamide-responsive. Identifiers: Orphanet 612, Orphanet 99734, Orphanet 99735, Orphanet 99736, MedGen C2931826, MONDO:0018959, OMIM 608390.
Paramyotonia congenita of Von Eulenburg. Also called: PARALYSIS PERIODICA PARAMYOTONICA; Eulenburg disease; Myotonia congenita intermittens; Von Eulenburg paramyotonia congenita; Paramyotonia Congenita. Identifiers: Orphanet 684, MedGen C0221055, MONDO:0008195, OMIM 168300. Disease mechanism: loss of function.

Allele frequency attached by ClinVar (database versions not stated): TOPMed below 0.00001; gnomAD 0.00001.
gnomAD v4.1: 1 of 1,610,482 alleles (0.000062%); highest among the groups gnomAD compares: Non-Finnish European, 0.000085%; no homozygotes.

Submissions (2):

Labcorp Genetics (formerly Invitae), Labcorp
Classification: Uncertain significance for Hyperkalemic periodic paralysis. Last evaluated: 2025-06-04. Review status: criteria provided, single submitter. Criteria: Invitae Variant Classification Sherloc (09022015). Collection method: clinical testing. Allele origin: germline.
Comment: This sequence change replaces methionine, which is neutral and non-polar, with valine, which is neutral and non-polar, at codon 424 of the SCN4A protein (p.Met424Val). This variant is present in population databases (no rsID available, gnomAD 0.007%). This variant has not been reported in the literature in individuals affected with SCN4A-related conditions. ClinVar contains an entry for this variant (Variation ID: 2981006). Invitae Evidence Modeling of protein sequence and biophysical properties (such as structural, functional, and spatial information, amino acid conservation, physicochemical variation, residue mobility, and thermodynamic stability) has been performed for this missense variant. However, the output from this modeling did not meet the statistical confidence thresholds required to predict the impact of this variant on SCN4A protein function. In summary, the available evidence is currently insufficient to determine the role of this variant in disease. Therefore, it has been classified as a Variant of Uncertain Significance.

Fulgent Genetics
Classification: Uncertain significance for Paramyotonia congenita of Von Eulenburg; Hyperkalemic periodic paralysis; Potassium-aggravated myotonia; Hypokalemic periodic paralysis, type 2; Congenital myasthenic syndrome 16; Congenital myopathy 22A, classic; Congenital myopathy 22B, severe fetal. Last evaluated: 2024-03-06. Review status: criteria provided, single submitter. Criteria: ACMG Guidelines, 2015. Collection method: clinical testing. Allele origin: germline.

NM_000334.4(SCN4A):c.1270A>G (p.Met424Val)

Gene: SCN4A (sodium voltage-gated channel alpha subunit 4; minus strand). Cytogenetic location: 17q23.3.
Variant type: single nucleotide variant.
Coding change: c.1270A>G on transcript NM_000334.4 (MANE Select); coding-DNA position 1270, A replaced by G.
Protein change: p.Met424Val; replaces methionine 424 with valine.
Molecular consequence: missense variant.
Genome position (GRCh38, 1-based): chr17:63,964,650, T>C on the plus strand (A>G on the coding strand, the complement: SCN4A is on the minus strand). VCF-style: chr17-63964650-T-C. GRCh37 (hg19) VCF-style: chr17-62042010-T-C.
Other names: short protein forms M424V.
Identifiers: ClinVar variation 2981006 (VCV002981006.4), dbSNP rs1157823120, ClinGen allele CA400635153.